The following is an entry in ClinVar:

NM_001372.4(DNAH9):c.12048T>A (p.Asn4016Lys)

Gene: DNAH9 (dynein axonemal heavy chain 9; plus strand). Cytogenetic location: 17p12.
Variant type: single nucleotide variant.
Coding change: c.12048T>A on transcript NM_001372.4 (MANE Select); coding-DNA position 12048, T replaced by A.
Protein change: p.Asn4016Lys; replaces asparagine 4016 with lysine.
Molecular consequence: missense variant.
Genome position (GRCh38, 1-based): chr17:11,930,036, T>A. VCF-style: chr17-11930036-T-A. GRCh37 (hg19) VCF-style: chr17-11833353-T-A.
Other names: c.984T>A, p.Asn328Lys (NM_004662.2); short protein forms N4016K, N328K.
Identifiers: ClinVar variation 1372914 (VCV001372914.6), dbSNP rs2151034364, ClinGen allele CA398211829.

ClinVar aggregate classification (germline): Uncertain significance (1 of 4 stars; one submission).

Submission:

Labcorp Genetics (formerly Invitae), Labcorp
Classification: Uncertain significance. Last evaluated: 2022-02-09. Review status: criteria provided, single submitter. Criteria: Invitae Variant Classification Sherloc (09022015). Collection method: clinical testing. Allele origin: germline.
Comment: In summary, the available evidence is currently insufficient to determine the role of this variant in disease. Therefore, it has been classified as a Variant of Uncertain Significance. Algorithms developed to predict the effect of missense changes on protein structure and function are either unavailable or do not agree on the potential impact of this missense change (SIFT: "Deleterious"; PolyPhen-2: "Probably Damaging"; Align-GVGD: "Class C0"). This variant has not been reported in the literature in individuals affected with DNAH9-related conditions. This variant is not present in population databases (gnomAD no frequency). This sequence change replaces asparagine, which is neutral and polar, with lysine, which is basic and polar, at codon 4016 of the DNAH9 protein (p.Asn4016Lys).